The following is an entry in ClinVar:

ClinVar aggregate classification (germline): Uncertain significance. Review status: criteria provided, multiple submitters, no conflicts (2 of 4 stars). 4 submissions from 4 submitters: Uncertain significance (4). Last evaluated 2025-12-24.

Conditions:
ILK-related disorder. Also called: ILK-related condition.
Primary familial hypertrophic cardiomyopathy (HCM). Identifiers: Orphanet 99739, MedGen C0949658, MeSH D024741, MONDO:0024573. Inheritance: Various modes of inheritance.

Allele frequency attached by ClinVar (database versions not stated): gnomAD exomes 0.00001 and 0.00005; ExAC 0.00002; gnomAD 0.00006 and 0.00007; TOPMed 0.00020.
gnomAD v4.1: 41 of 1,613,966 alleles (0.0025%); highest among the groups gnomAD compares: Admixed American, 0.033%; no homozygotes.

Submissions (4):

Labcorp Genetics (formerly Invitae), Labcorp
Classification: Uncertain significance for Primary familial hypertrophic cardiomyopathy. Last evaluated: 2025-12-24. Review status: criteria provided, single submitter. Criteria: Invitae Variant Classification Sherloc (09022015). Collection method: clinical testing. Allele origin: germline.
Comment: This sequence change replaces valine, which is neutral and non-polar, with isoleucine, which is neutral and non-polar, at codon 62 of the ILK protein (p.Val62Ile). This variant is present in population databases (rs768146142, gnomAD 0.02%). This variant has not been reported in the literature in individuals affected with ILK-related conditions. ClinVar contains an entry for this variant (Variation ID: 201790). An algorithm developed to predict the effect of missense changes on protein structure and function (PolyPhen-2) suggests that this variant is likely to be tolerated. In summary, the available evidence is currently insufficient to determine the role of this variant in disease. Therefore, it has been classified as a Variant of Uncertain Significance.

PreventionGenetics, part of Exact Sciences
Classification: Uncertain significance for ILK-related condition. Last evaluated: 2025-07-11. Review status: criteria provided, single submitter. Criteria: ACMG Guidelines, 2015. Collection method: clinical testing. Allele origin: germline.
Comment: The ILK c.184G>A variant is predicted to result in the amino acid substitution p.Val62Ile. This variant was reported in an individual with pediatric dilated cardiomyopathy (Table S2, Khan et al. 2021. PubMed ID: 34935411). This variant is reported in 0.023% of alleles in individuals of Latino descent in gnomAD. At this time, the clinical significance of this variant is uncertain due to the absence of conclusive functional and genetic evidence.

Ambry Genetics
Classification: Uncertain significance. Last evaluated: 2022-05-31. Review status: criteria provided, single submitter. Criteria: Ambry Variant Classification Scheme 2023. Collection method: clinical testing. Allele origin: germline.
Comment: The p.V62I variant (also known as c.184G>A), located in coding exon 2 of the ILK gene, results from a G to A substitution at nucleotide position 184. The valine at codon 62 is replaced by isoleucine, an amino acid with highly similar properties. In a pediatric dilated cardiomyopathy (DCM) cohort, this variant was detected in one individual with no known family history of DCM (Khan RS et al. J Am Heart Assoc, 2022 01;11:e022854). This amino acid position is highly conserved in available vertebrate species. In addition, this alteration is predicted to be tolerated by in silico analysis. Since supporting evidence is limited at this time, the clinical significance of this alteration remains unclear.

GeneDx
Classification: Uncertain significance. Last evaluated: 2018-04-19. Review status: criteria provided, single submitter. Criteria: GeneDx Variant Classification (06012015). Collection method: clinical testing. Allele origin: germline. Affected: yes.
Comment: The V62I variant in the ILK gene has not been published as pathogenic or been reported as benign to our knowledge. However, it has been identified, both independently and in conjunction with additional cardiogenetic variants, in at least three unrelated individuals referred for cardiomyopathy or arrhythmia genetic testing at GeneDx. This variant is observed in 7/34,420 alleles from individuals of Latino ancestry in large population cohorts (Lek et al., 2016). The V62I variant is a conservative amino acid substitution, which is not likely to impact secondary protein structure as these residues share similar properties. Furthermore, in-silico analyses, including protein predictors and evolutionary conservation, support that this variant does not alter protein structure/function. Therefore, based on the currently available information, it is unclear whether this variant is pathogenic or benign.

Literature cited by the submitters: PubMed 34935411 (cited by Ambry Genetics).

NM_004517.4(ILK):c.184G>A (p.Val62Ile)

Genes: ILK (integrin linked kinase; plus strand), TAF10 (TATA-box binding protein associated factor 10; minus strand). Cytogenetic location: 11p15.4.
Variant type: single nucleotide variant.
Coding change: c.184G>A on transcript NM_004517.4 (MANE Select); coding-DNA position 184, G replaced by A.
Protein change: p.Val62Ile; replaces valine 62 with isoleucine.
Molecular consequence: missense variant. On other transcripts: 3 prime UTR variant (1), intron variant (1).
Genome position (GRCh38, 1-based): chr11:6,608,140, G>A. VCF-style: chr11-6608140-G-A. GRCh37 (hg19) VCF-style: chr11-6629370-G-A.
Other names: p.V62I:GTA>ATA; c.184G>A, p.Val62Ile (NM_001014794.3, NM_001014795.3, NM_001278441.2); c.*2782C>T (NM_006284.4); c.-147-254G>A (NM_001278442.2); c.184G>A (NM_004517.3); short protein forms V62I.
Identifiers: ClinVar variation 201790 (VCV000201790.54), dbSNP rs768146142, ClinGen allele CA335199.